The following is an entry in ClinVar:

ClinVar aggregate classification (germline): Conflicting classifications of pathogenicity. Review status: criteria provided, conflicting classifications (1 of 4 stars). 7 submissions from 7 submitters: Pathogenic (1); Likely pathogenic (3); Uncertain significance (2). 1 of the submissions does not count toward it. Last evaluated 2025-10-01.

Conditions:
Deficiency of isobutyryl-CoA dehydrogenase. Also called: ACYL-CoA DEHYDROGENASE FAMILY, MEMBER 8, DEFICIENCY OF; IBD DEFICIENCY; ACAD8 DEFICIENCY. Identifiers: Orphanet 79159, MedGen C1969809, MONDO:0012648, OMIM 611283.

Allele frequency attached by ClinVar (database versions not stated): ExAC 0.00001; gnomAD 0.00001; gnomAD exomes 0.00001 and 0.00002; TOPMed 0.00002.
gnomAD v4.1: 26 of 1,614,002 alleles (0.0016%); highest among the groups gnomAD compares: Middle Eastern, 0.033%; no homozygotes.

Submissions (7):

Labcorp Genetics (formerly Invitae), Labcorp
Classification: Pathogenic for Deficiency of isobutyryl-CoA dehydrogenase. Last evaluated: 2025-10-01. Review status: criteria provided, single submitter. Criteria: Invitae Variant Classification Sherloc (09022015). Collection method: clinical testing. Allele origin: germline.
Comment: This sequence change replaces arginine, which is basic and polar, with tryptophan, which is neutral and slightly polar, at codon 330 of the ACAD8 protein (p.Arg330Trp). This variant is present in population databases (rs121908420, gnomAD 0.007%). This missense change has been observed in individual(s) with isobutyryl-CoA dehydrogenase deficiency (PMID: 17304052; internal data). ClinVar contains an entry for this variant (Variation ID: 5357). Invitae Evidence Modeling of protein sequence and biophysical properties (such as structural, functional, and spatial information, amino acid conservation, physicochemical variation, residue mobility, and thermodynamic stability) indicates that this missense variant is expected to disrupt ACAD8 protein function with a positive predictive value of 95%. This variant disrupts the p.Arg330 amino acid residue in ACAD8. Other variant(s) that disrupt this residue have been observed in individuals with ACAD8-related conditions (PMID: 17304052, 34544473), which suggests that this may be a clinically significant amino acid residue. For these reasons, this variant has been classified as Pathogenic.

GeneDx
Classification: Likely pathogenic. Last evaluated: 2025-07-09. Review status: criteria provided, single submitter. Criteria: GeneDx Variant Classification Process June 2021. Collection method: clinical testing. Allele origin: germline. Affected: yes.
Comment: Not observed at significant frequency in large population cohorts (gnomAD); In silico analysis supports that this missense variant has a deleterious effect on protein structure/function; This variant is associated with the following publications: (PMID: 16857760, 17304052, 34544473, 34876202, 33432785)

First Genomix Gene Laboratory, Genetic Diagnostics Department
Classification: Likely pathogenic for Deficiency of isobutyryl-CoA dehydrogenase. Last evaluated: 2025-05-22. Review status: criteria provided, single submitter. Criteria: ACMG Guidelines, 2015. Collection method: clinical testing. Allele origin: germline. Inheritance: Autosomal recessive inheritance. Affected: no. Observed: 1 variant allele.

Revvity Omics, Revvity
Classification: Uncertain significance for Deficiency of isobutyryl-CoA dehydrogenase. Last evaluated: 2020-04-04. Review status: criteria provided, single submitter. Criteria: ACMG Guidelines, 2015. Collection method: clinical testing. Allele origin: germline.

Baylor Genetics
Classification: Uncertain significance for Deficiency of isobutyryl-CoA dehydrogenase. Last evaluated: 2020-02-19. Review status: criteria provided, single submitter. Criteria: ACMG Guidelines, 2015. Collection method: clinical testing. Allele origin: unknown. Affected: yes.
Comment: This variant was determined to be of uncertain significance according to ACMG Guidelines, 2015 [PMID:25741868].

Eurofins Ntd Llc (ga)
Classification: Likely pathogenic. Last evaluated: 2016-05-18. Review status: criteria provided, single submitter. Criteria: EGL Classification Definitions 2015. Collection method: clinical testing. Allele origin: germline. Observed: 1 variant allele, 1 heterozygote.

OMIM
Classification: Pathogenic for ISOBUTYRYL-CoA DEHYDROGENASE DEFICIENCY. Last evaluated: 2007-02-01. Review status: no assertion criteria provided. Collection method: literature only. Allele origin: germline. Not counted in ClinVar's aggregate classification.

Literature cited by the submitters: PubMed 17304052 (cited by 3 submitters); PubMed 34544473 (cited by Labcorp Genetics (formerly Invitae), Labcorp); PubMed 16857760 (cited by Eurofins Ntd Llc (ga)).

NM_014384.3(ACAD8):c.988C>T (p.Arg330Trp)

Gene: ACAD8 (acyl-CoA dehydrogenase family member 8; plus strand). Cytogenetic location: 11q25.
Variant type: single nucleotide variant.
Coding change: c.988C>T on transcript NM_014384.3 (MANE Select); coding-DNA position 988, C replaced by T.
Protein change: p.Arg330Trp; replaces arginine 330 with tryptophan.
Molecular consequence: missense variant.
Genome position (GRCh38, 1-based): chr11:134,261,786, C>T. VCF-style: chr11-134261786-C-T. GRCh37 (hg19) VCF-style: chr11-134131680-C-T.
Other names: R308W; short protein forms R330W.
Identifiers: ClinVar variation 5357 (VCV000005357.18), dbSNP rs121908420, ClinGen allele CA117438.